The following is an entry in ClinVar:

ClinVar aggregate classification (germline): Uncertain significance (1 of 4 stars; one submission).

Allele frequency attached by ClinVar (database versions not stated): gnomAD exomes below 0.00001; gnomAD 0.00001; TOPMed 0.00002.
gnomAD v4.1: 7 of 1,566,032 alleles (0.00045%); highest among the groups gnomAD compares: African/African-American, 0.0095%; no homozygotes.

Submission:

Labcorp Genetics (formerly Invitae), Labcorp
Classification: Uncertain significance. Last evaluated: 2023-10-10. Review status: criteria provided, single submitter. Criteria: Invitae Variant Classification Sherloc (09022015). Collection method: clinical testing. Allele origin: germline.
Comment: This sequence change replaces leucine, which is neutral and non-polar, with phenylalanine, which is neutral and non-polar, at codon 37 of the PAFAH1B1 protein (p.Leu37Phe). This variant is not present in population databases (gnomAD no frequency). This variant has not been reported in the literature in individuals affected with PAFAH1B1-related conditions. An algorithm developed to predict the effect of missense changes on protein structure and function (PolyPhen-2) suggests that this variant is likely to be disruptive. In summary, the available evidence is currently insufficient to determine the role of this variant in disease. Therefore, it has been classified as a Variant of Uncertain Significance.

NM_000430.4(PAFAH1B1):c.111A>C (p.Leu37Phe)

Gene: PAFAH1B1 (platelet activating factor acetylhydrolase 1b regulatory subunit 1; plus strand). Cytogenetic location: 17p13.3.
Variant type: single nucleotide variant.
Coding change: c.111A>C on transcript NM_000430.4 (MANE Select); coding-DNA position 111, A replaced by C.
Protein change: p.Leu37Phe; replaces leucine 37 with phenylalanine.
Molecular consequence: missense variant.
Genome position (GRCh38, 1-based): chr17:2,665,450, A>C. VCF-style: chr17-2665450-A-C. GRCh37 (hg19) VCF-style: chr17-2568744-A-C.
Other names: short protein forms L37F.
Identifiers: ClinVar variation 2997595 (VCV002997595.3), dbSNP rs955541680, ClinGen allele CA286904856.